The following is an entry in ClinVar:

NM_001170629.2(CHD8):c.1478G>C (p.Arg493Pro)

Gene: CHD8 (chromodomain helicase DNA binding protein 8; minus strand). Cytogenetic location: 14q11.2.
Variant type: single nucleotide variant.
Coding change: c.1478G>C on transcript NM_001170629.2 (MANE Select); coding-DNA position 1478, G replaced by C.
Protein change: p.Arg493Pro; replaces arginine 493 with proline.
Molecular consequence: missense variant.
Genome position (GRCh38, 1-based): chr14:21,427,992, C>G on the plus strand (G>C on the coding strand, the complement: CHD8 is on the minus strand). VCF-style: chr14-21427992-C-G. GRCh37 (hg19) VCF-style: chr14-21896151-C-G.
Other names: c.641G>C, p.Arg214Pro (NM_020920.4); short protein forms R214P, R493P.
Identifiers: ClinVar variation 2644067 (VCV002644067.24), dbSNP rs755646683, ClinGen allele CA7091776.
Genomic context (GRCh38, chr14:21,427,992, plus strand): 5'-TCTTTCAGCCTCTCCCCAGCACTCTTCTTCCTGCGTTTCTTCTCGCCTTCCTCCTCTGGC[C>G]GAACGCTGGGCAACTCGTCCTCATTTAAGACTCGAGGTATGTTCTGCTCACCGCGGGCAC-3'
Protein context (NP_001164100.1, residues 483-503): VLNEDELPSV[Arg493Pro]PEEEGEKKRR

ClinVar aggregate classification (germline): Uncertain significance (1 of 4 stars; one submission).

gnomAD v4.1: 24 of 1,614,060 alleles (0.0015%); highest among the groups gnomAD compares: Middle Eastern, 0.049%; no homozygotes.

Submission:

CeGaT Center for Human Genetics Tuebingen
Classification: Uncertain significance. Last evaluated: 2022-12-01. Review status: criteria provided, single submitter. Criteria: CeGaT Center For Human Genetics Tuebingen Variant Classification Criteria Version 2. Collection method: clinical testing. Allele origin: germline. Affected: yes. Observed: 1 variant allele.
Comment: CHD8: PP2